The following is an entry in ClinVar:

ClinVar aggregate classification (germline): Benign. Review status: criteria provided, multiple submitters, no conflicts (2 of 4 stars). 7 submissions from 7 submitters: Benign (5). 2 of the submissions do not count toward it. Last evaluated 2026-02-03.

Conditions:
Hyperprolinemia type 2 (HYRPRO2). Also called: 1-PYRROLINE-5-CARBOXYLATE DEHYDROGENASE DEFICIENCY; Deficiency of pyrroline-5-carboxylate reductase; Delta-1-pyrroline-5-carboxylate dehydrogenase deficiency. Identifiers: Orphanet 79101, MedGen C2931835, MONDO:0009401, OMIM 239510.

Allele frequency attached by ClinVar (database versions not stated): ESP Exome Variant Server 0.62302; gnomAD 0.63458 and 0.64138; TOPMed 0.64419; 1000 Genomes Project 30x 0.65881; 1000 Genomes Project 0.66094; gnomAD exomes 0.69865 and 0.70139; ExAC 0.70245.
gnomAD v4.1: 1,118,524 of 1,608,858 alleles (70%); highest among the groups gnomAD compares: Admixed American, 78%; 391,287 homozygotes.

Submissions (7):

Labcorp Genetics (formerly Invitae), Labcorp
Classification: Benign for Hyperprolinemia type 2. Last evaluated: 2026-02-03. Review status: criteria provided, single submitter. Criteria: Invitae Variant Classification Sherloc (09022015). Collection method: clinical testing. Allele origin: germline.

Genome-Nilou Lab
Classification: Benign for Hyperprolinemia type 2. Last evaluated: 2021-07-14. Review status: criteria provided, single submitter. Criteria: ACMG Guidelines, 2015. Collection method: clinical testing. Allele origin: germline. Affected: no.

GeneDx
Classification: Benign. Last evaluated: 2019-04-26. Review status: criteria provided, single submitter. Criteria: GeneDx Variant Classification Process June 2021. Collection method: clinical testing. Allele origin: germline. Affected: yes.

Illumina Laboratory Services, Illumina
Classification: Benign for Hyperprolinemia type 2. Last evaluated: 2018-01-13. Review status: criteria provided, single submitter. Criteria: ICSL Variant Classification Criteria 13 December 2019. Collection method: clinical testing. Allele origin: germline.
Comment: This variant was observed in the ICSL laboratory as part of a predisposition screen in an ostensibly healthy population. It had not been previously curated by ICSL or reported in the Human Gene Mutation Database (HGMD: prior to June 1st, 2018), and was therefore a candidate for classification through an automated scoring system. Utilizing variant allele frequency, disease prevalence and penetrance estimates, and inheritance mode, an automated score was calculated to assess if this variant is too frequent to cause the disease. Based on the score and internal cut-off values, a variant classified as benign is not then subjected to further curation. The score for this variant resulted in a classification of benign for this disease.

Breakthrough Genomics
Classification: Benign. Review status: criteria provided, single submitter. Criteria: ACMG Guidelines, 2015. Collection method: not provided. Allele origin: germline. Inheritance: Autosomal recessive inheritance. Affected: yes.

Diagnostic Laboratory, Department of Genetics, University Medical Center Groningen
Classification: Benign. Review status: no assertion criteria provided. Collection method: clinical testing. Allele origin: germline. Affected: yes. Study: VKGL Data-share Consensus. Not counted in ClinVar's aggregate classification.

Joint Genome Diagnostic Labs from Nijmegen and Maastricht, Radboudumc and MUMC+
Classification: Benign. Review status: no assertion criteria provided. Collection method: clinical testing. Allele origin: germline. Affected: yes. Study: VKGL Data-share Consensus. Not counted in ClinVar's aggregate classification.

NM_003748.4(ALDH4A1):c.1230A>G (p.Ser410=)

Gene: ALDH4A1 (aldehyde dehydrogenase 4 family member A1; minus strand). Cytogenetic location: 1p36.13.
Variant type: single nucleotide variant.
Coding change: c.1230A>G on transcript NM_003748.4 (MANE Select); coding-DNA position 1230, A replaced by G.
Protein change: p.Ser410=; no amino-acid change (serine 410 retained).
Molecular consequence: synonymous variant. On other transcripts: intron variant (1).
Genome position (GRCh38, 1-based): chr1:18,876,423, T>C on the plus strand (A>G on the coding strand, the complement: ALDH4A1 is on the minus strand). VCF-style: chr1-18876423-T-C. GRCh37 (hg19) VCF-style: chr1-19202917-T-C.
Other names: c.1050A>G, p.Ser350= (NM_001161504.2); c.1230A>G, p.Ser410= (NM_170726.3); c.1185+785A>G (NM_001319218.2).
Identifiers: ClinVar variation 294375 (VCV000294375.23), dbSNP rs7550938, ClinGen allele CA646992.